The following is an entry in ClinVar:

ClinVar aggregate classification (germline): Likely benign. Review status: criteria provided, multiple submitters, no conflicts (2 of 4 stars). 3 submissions from 3 submitters: Likely benign (2). 1 of the submissions does not count toward it. Last evaluated 2026-01-24.

Conditions:
Metachromatic leukodystrophy (MLD). Also called: ARSA DEFICIENCY; CEREBROSIDE SULFATASE DEFICIENCY; Cerebral sclerosis diffuse metachromatic form; Arylsulfatase A Deficiency; METACHROMATIC LEUKOENCEPHALOPATHY; SULFATIDE LIPIDOSIS. Identifiers: Orphanet 512, MedGen C0023522, MONDO:0018868, OMIM 250100.
Sphingolipid activator protein 1 deficiency. Also called: Saposin B Deficiency; Metachromatic leukodystrophy due to saposin B deficiency; METACHROMATIC LEUKODYSTROPHY DUE TO CEREBROSIDE SULFATASE ACTIVATOR DEFICIENCY. Identifiers: Orphanet 512, MedGen C0268262, MONDO:0009590, OMIM 249900.

Allele frequency attached by ClinVar (database versions not stated): TOPMed 0.00003; gnomAD 0.00005 and 0.00006; ESP Exome Variant Server 0.00023.

Submissions (3):

Labcorp Genetics (formerly Invitae), Labcorp
Classification: Likely benign for Sphingolipid activator protein 1 deficiency. Last evaluated: 2026-01-24. Review status: criteria provided, single submitter. Criteria: Invitae Variant Classification Sherloc (09022015). Collection method: clinical testing. Allele origin: germline.

CeGaT Center for Human Genetics Tuebingen
Classification: Likely benign. Last evaluated: 2025-04-01. Review status: criteria provided, single submitter. Criteria: CeGaT Center For Human Genetics Tuebingen Variant Classification Criteria Version 2. Collection method: clinical testing. Allele origin: germline. Affected: yes. Observed: 1 variant allele.
Comment: PSAP: BP4, BP7

Natera, Inc.
Classification: Uncertain significance for Metachromatic leukodystrophy. Last evaluated: 2020-04-11. Review status: no assertion criteria provided. Collection method: clinical testing. Allele origin: germline. Not counted in ClinVar's aggregate classification.

NM_002778.4(PSAP):c.1017C>T (p.Leu339=)

Gene: PSAP (prosaposin; minus strand). Cytogenetic location: 10q22.1.
Variant type: single nucleotide variant.
Coding change: c.1017C>T on transcript NM_002778.4 (MANE Select); coding-DNA position 1017, C replaced by T.
Protein change: p.Leu339=; no amino-acid change (leucine 339 retained).
Molecular consequence: synonymous variant.
Genome position (GRCh38, 1-based): chr10:71,819,889, G>A on the plus strand (C>T on the coding strand, the complement: PSAP is on the minus strand). VCF-style: chr10-71819889-G-A. GRCh37 (hg19) VCF-style: chr10-73579646-G-A.
Other names: c.1026C>T, p.Leu342= (NM_001042465.3); c.1023C>T, p.Leu341= (NM_001042466.3).
Identifiers: ClinVar variation 764672 (VCV000764672.18), dbSNP rs146778046, ClinGen allele CA5547510.